The following is an entry in ClinVar:

ClinVar aggregate classification (germline): Uncertain significance (1 of 4 stars; one submission).

Conditions:
Multiple endocrine neoplasia, type 2 (MEN2). Identifiers: Orphanet 653, MedGen C4048306, MONDO:0019003. Disease mechanism: gain of function.

Submission:

Labcorp Genetics (formerly Invitae), Labcorp
Classification: Uncertain significance for Multiple endocrine neoplasia, type 2. Last evaluated: 2023-04-07. Review status: criteria provided, single submitter. Criteria: Invitae Variant Classification Sherloc (09022015). Collection method: clinical testing. Allele origin: germline.
Comment: This sequence change replaces leucine, which is neutral and non-polar, with proline, which is neutral and non-polar, at codon 212 of the RET protein (p.Leu212Pro). This variant is not present in population databases (gnomAD no frequency). This variant has not been reported in the literature in individuals affected with RET-related conditions. An algorithm developed to predict the effect of missense changes on protein structure and function (PolyPhen-2) suggests that this variant is likely to be disruptive. In summary, the available evidence is currently insufficient to determine the role of this variant in disease. Therefore, it has been classified as a Variant of Uncertain Significance.

NM_020975.6(RET):c.635T>C (p.Leu212Pro)

Gene: RET (ret proto-oncogene; plus strand). Cytogenetic location: 10q11.21.
Variant type: single nucleotide variant.
Coding change: c.635T>C on transcript NM_020975.6 (MANE Select); coding-DNA position 635, T replaced by C.
Protein change: p.Leu212Pro; replaces leucine 212 with proline.
Molecular consequence: missense variant. On other transcripts: intron variant (22), 5 prime UTR variant (1).
Genome position (GRCh38, 1-based): chr10:43,104,961, T>C. VCF-style: chr10-43104961-T-C. GRCh37 (hg19) VCF-style: chr10-43600409-T-C.
Other names: c.625+2332T>C (NM_001406771.1, NM_001406782.1, NM_001406780.1 and 5 more transcripts); c.496+2332T>C (NM_001406786.1, NM_001406783.1); c.338-4070T>C (NM_001406778.1, NM_001406775.1, NM_001406776.1 and 1 more transcripts); c.635T>C, p.Leu212Pro (NM_000323.2, NM_001406743.1, NM_001406744.1 and 8 more transcripts); c.-128T>C (NM_001355216.2); c.506T>C, p.Leu169Pro (NM_001406761.1, NM_001406762.1, NM_001406764.1 and 2 more transcripts); c.347T>C, p.Leu116Pro (NM_001406766.1, NM_001406767.1, NM_001406770.1); c.337+4239T>C (NM_001406790.1, NM_001406788.1, NM_001406789.1 and 1 more transcripts); and 2 more; short protein forms L212P, L116P, L169P.
Identifiers: ClinVar variation 2853090 (VCV002853090.3), dbSNP rs2132702912, ClinGen allele CA376544288.
Genomic context (GRCh38, chr10:43,104,961, plus strand): 5'-GCCCGGTCCCGGCTGGTGATCACGCGGGGCCCCTGTCTGCTTGGTGCGCAGGTGAGGGTC[T>C]GCCCTTCCGCTGCGCCCCGGACAGCCTGGAGGTGAGCACGCGCTGGGCCCTGGACCGCGA-3'
Protein context (NP_066124.1, residues 202-222): VAYRLLEGEG[Leu212Pro]PFRCAPDSLE